The following is an entry in ClinVar:

ClinVar aggregate classification (germline): Conflicting classifications of pathogenicity. Review status: criteria provided, conflicting classifications (1 of 4 stars). 3 submissions from 3 submitters: Uncertain significance (2); Likely benign (1). Last evaluated 2025-01-20.

Conditions:
Episodic kinesigenic dyskinesia (EKD). Also called: Paroxysmal kinesigenic dyskinesia. Identifiers: Orphanet 98809, MedGen C1868682, MONDO:0044202.
Infantile convulsions and choreoathetosis (ICCA). Also called: PAROXYSMAL KINESIGENIC DYSKINESIA WITH INFANTILE CONVULSIONS; PRRT2-Related Paroxysmal Kinesigenic Dyskinesia with Infantile Convulsions (PKD/IC). Identifiers: Orphanet 31709, MedGen C1865926, MONDO:0011178, OMIM 602066.
Episodic kinesigenic dyskinesia 1 (EKD1). Also called: PxMD-PRRT2; PAROXYSMAL KINESIGENIC CHOREOATHETOSIS; DYSTONIA, FAMILIAL PAROXYSMAL; Dystonia 10; PRRT2-Related Paroxysmal Kinesigenic Dyskinesia (PKD). Identifiers: Orphanet 98809, MedGen C4552000, MONDO:0100352, OMIM 128200, MONDO:0007494.
Seizures, benign familial infantile, 2 (BFIS2). Also called: CONVULSIONS, BENIGN FAMILIAL INFANTILE, 2. Identifiers: Orphanet 306, MedGen C1853995, MONDO:0011593, OMIM 605751.

Allele frequency attached by ClinVar (database versions not stated): gnomAD exomes 0.00001 and 0.00002; ExAC 0.00002; gnomAD 0.00026.

Submissions (3):

Labcorp Genetics (formerly Invitae), Labcorp
Classification: Likely benign for Episodic kinesigenic dyskinesia. Last evaluated: 2025-01-20. Review status: criteria provided, single submitter. Criteria: Invitae Variant Classification Sherloc (09022015). Collection method: clinical testing. Allele origin: germline.

CeGaT Center for Human Genetics Tuebingen
Classification: Uncertain significance. Last evaluated: 2023-12-01. Review status: criteria provided, single submitter. Criteria: CeGaT Center For Human Genetics Tuebingen Variant Classification Criteria Version 2. Collection method: clinical testing. Allele origin: germline. Affected: yes. Observed: 1 variant allele.
Comment: PRRT2: PM2

Fulgent Genetics
Classification: Uncertain significance for Episodic kinesigenic dyskinesia 1; Infantile convulsions and choreoathetosis; Seizures, benign familial infantile, 2. Last evaluated: 2018-10-31. Review status: criteria provided, single submitter. Criteria: ACMG Guidelines, 2015. Collection method: clinical testing. Allele origin: unknown.

NM_145239.3(PRRT2):c.635A>G (p.Asn212Ser)

Genes: MVP-DT (MVP divergent transcript; minus strand), PRRT2 (proline rich transmembrane protein 2; plus strand). Cytogenetic location: 16p11.2.
Variant type: single nucleotide variant.
Coding change: c.635A>G on transcript NM_145239.3 (MANE Select); coding-DNA position 635, A replaced by G.
Protein change: p.Asn212Ser; replaces asparagine 212 with serine.
Molecular consequence: missense variant.
Genome position (GRCh38, 1-based): chr16:29,813,689, A>G. VCF-style: chr16-29813689-A-G. GRCh37 (hg19) VCF-style: chr16-29825010-A-G.
Other names: c.635A>G, p.Asn212Ser (NM_001256442.2, NM_001256443.2); short protein forms N212S.
Identifiers: ClinVar variation 404415 (VCV000404415.33), dbSNP rs779020826, ClinGen allele CA7994559.